The following is an entry in ClinVar:

ClinVar aggregate classification (germline): Benign/Likely benign. Review status: criteria provided, multiple submitters, no conflicts (2 of 4 stars). 3 submissions from 3 submitters: Benign (1); Likely benign (1). 1 of the submissions does not count toward it. Last evaluated 2025-12-03.

Conditions:
PCNT-related disorder. Also called: PCNT-related condition.

Allele frequency attached by ClinVar (database versions not stated): gnomAD 0.00001; gnomAD exomes 0.00003 and 0.00008; TOPMed 0.00003; ExAC 0.00008.

Submissions (3):

Labcorp Genetics (formerly Invitae), Labcorp
Classification: Benign. Last evaluated: 2025-12-03. Review status: criteria provided, single submitter. Criteria: Invitae Variant Classification Sherloc (09022015). Collection method: clinical testing. Allele origin: germline.

Blueprint Genetics
Classification: Likely benign. Last evaluated: 2024-10-17. Review status: criteria provided, single submitter. Criteria: ACMG Guidelines, 2015. Collection method: clinical testing. Allele origin: germline.

PreventionGenetics, part of Exact Sciences
Classification: Likely benign for PCNT-related condition. Last evaluated: 2023-04-04. Review status: no assertion criteria provided. Collection method: clinical testing. Allele origin: germline. Not counted in ClinVar's aggregate classification.
Comment: This variant is classified as likely benign based on ACMG/AMP sequence variant interpretation guidelines (Richards et al. 2015 PMID: 25741868, with internal and published modifications).

NM_006031.6(PCNT):c.3390G>A (p.Arg1130=)

Gene: PCNT (pericentrin; plus strand). Cytogenetic location: 21q22.3.
Variant type: single nucleotide variant.
Coding change: c.3390G>A on transcript NM_006031.6 (MANE Select); coding-DNA position 3390, G replaced by A.
Protein change: p.Arg1130=; no amino-acid change (arginine 1130 retained).
Molecular consequence: synonymous variant.
Genome position (GRCh38, 1-based): chr21:46,385,909, G>A. VCF-style: chr21-46385909-G-A. GRCh37 (hg19) VCF-style: chr21-47805824-G-A.
Other names: c.3036G>A, p.Arg1012= (NM_001315529.2).
Identifiers: ClinVar variation 714142 (VCV000714142.9), dbSNP rs775858868, ClinGen allele CA10079278.